The following is an entry in ClinVar:

ClinVar aggregate classification (germline): Uncertain significance (1 of 4 stars; one submission).

Conditions:
Lethal congenital glycogen storage disease of heart. Also called: GLYCOGEN STORAGE DISEASE OF HEART; PHOSPHORYLASE KINASE DEFICIENCY OF HEART. Identifiers: Orphanet 439854, MedGen C1849813, MONDO:0009867, OMIM 261740.

Submission:

Labcorp Genetics (formerly Invitae), Labcorp
Classification: Uncertain significance for Lethal congenital glycogen storage disease of heart. Last evaluated: 2022-10-03. Review status: criteria provided, single submitter. Criteria: Invitae Variant Classification Sherloc (09022015). Collection method: clinical testing. Allele origin: germline.
Comment: This variant has not been reported in the literature in individuals affected with PRKAG2-related conditions. This variant is not present in population databases (gnomAD no frequency). This sequence change replaces leucine, which is neutral and non-polar, with proline, which is neutral and non-polar, at codon 40 of the PRKAG2 protein (p.Leu40Pro). Advanced modeling of protein sequence and biophysical properties (such as structural, functional, and spatial information, amino acid conservation, physicochemical variation, residue mobility, and thermodynamic stability) performed at Invitae indicates that this missense variant is not expected to disrupt PRKAG2 protein function. In summary, the available evidence is currently insufficient to determine the role of this variant in disease. Therefore, it has been classified as a Variant of Uncertain Significance.

NM_016203.4(PRKAG2):c.119T>C (p.Leu40Pro)

Gene: PRKAG2 (protein kinase AMP-activated non-catalytic subunit gamma 2; minus strand). Cytogenetic location: 7q36.1.
Variant type: single nucleotide variant.
Coding change: c.119T>C on transcript NM_016203.4 (MANE Select); coding-DNA position 119, T replaced by C.
Protein change: p.Leu40Pro; replaces leucine 40 with proline.
Molecular consequence: missense variant. On other transcripts: 5 prime UTR variant (1).
Genome position (GRCh38, 1-based): chr7:151,786,537, A>G on the plus strand (T>C on the coding strand, the complement: PRKAG2 is on the minus strand). VCF-style: chr7-151786537-A-G. GRCh37 (hg19) VCF-style: chr7-151483623-A-G.
Other names: c.-14T>C (NM_001040633.2, NM_001407024.1, NM_001407026.1 and 2 more transcripts); c.119T>C, p.Leu40Pro (NM_001407021.1, NM_001407022.1, NM_001407023.1 and 2 more transcripts); short protein forms L40P.
Identifiers: ClinVar variation 1720862 (VCV001720862.5), dbSNP rs139653890, ClinGen allele CA370070108.